The following is an entry in ClinVar:

NM_015046.7(SETX):c.7814G>A (p.Arg2605Gln)

Gene: SETX (senataxin; minus strand). Cytogenetic location: 9q34.13.
Variant type: single nucleotide variant.
Coding change: c.7814G>A on transcript NM_015046.7 (MANE Select); coding-DNA position 7814, G replaced by A.
Protein change: p.Arg2605Gln; replaces arginine 2605 with glutamine.
Molecular consequence: missense variant.
Genome position (GRCh38, 1-based): chr9:132,264,459, C>T on the plus strand (G>A on the coding strand, the complement: SETX is on the minus strand). VCF-style: chr9-132264459-C-T. GRCh37 (hg19) VCF-style: chr9-135139846-C-T.
Other names: c.7814G>A, p.Arg2605Gln (NM_001351527.2); c.7901G>A, p.Arg2634Gln (NM_001351528.2); short protein forms R2605Q, R2634Q.
Identifiers: ClinVar variation 365339 (VCV000365339.55), dbSNP rs543247171, ClinGen allele CA5296314.

ClinVar aggregate classification (germline): Conflicting classifications of pathogenicity. Review status: criteria provided, conflicting classifications (1 of 4 stars). 8 submissions from 7 submitters: Uncertain significance (4); Benign (1); Likely benign (1). 2 of the submissions do not count toward it. Last evaluated 2026-01-06.

Conditions:
Spinocerebellar ataxia, autosomal recessive, with axonal neuropathy 2 (SCAN2). Also called: Ataxia-ocular apraxia-2; Ataxia with Oculomotor Apraxia Type 2; Ataxia with Oculomotor Apraxia; ATAXIA-OCULOMOTOR APRAXIA 2. Identifiers: Orphanet 64753, MedGen C1853761, MONDO:0018996, OMIM 606002.
Amyotrophic lateral sclerosis type 4 (ALS4). Also called: NEURONOPATHY, DISTAL HEREDITARY MOTOR, WITH PYRAMIDAL FEATURES; AMYOTROPHIC LATERAL SCLEROSIS 4, JUVENILE. Identifiers: Orphanet 357043, MedGen C1865409, MONDO:0011223, OMIM 602433.

Allele frequency attached by ClinVar (database versions not stated): gnomAD 0.00001 and 0.00005; gnomAD exomes 0.00011 and 0.00020; ExAC 0.00019; 1000 Genomes Project 0.00020; TOPMed 0.00001; 1000 Genomes Project 30x 0.00047.
gnomAD v4.1: 173 of 1,613,900 alleles (0.011%); highest among the groups gnomAD compares: South Asian, 0.14%; 2 homozygotes.

Submissions (8):

Labcorp Genetics (formerly Invitae), Labcorp
Classification: Benign for Amyotrophic lateral sclerosis type 4; Spinocerebellar ataxia, autosomal recessive, with axonal neuropathy 2. Last evaluated: 2026-01-06. Review status: criteria provided, single submitter. Criteria: Invitae Variant Classification Sherloc (09022015). Collection method: clinical testing. Allele origin: germline.

GeneDx
Classification: Uncertain significance. Last evaluated: 2023-07-25. Review status: criteria provided, single submitter. Criteria: GeneDx Variant Classification Process June 2021. Collection method: clinical testing. Allele origin: germline. Affected: yes.
Comment: In silico analysis supports that this missense variant does not alter protein structure/function; Has not been previously published as pathogenic or benign to our knowledge

Illumina Laboratory Services, Illumina
Classification: Uncertain significance for Spinocerebellar ataxia, autosomal recessive, with axonal neuropathy 2. Last evaluated: 2018-01-13. Review status: criteria provided, single submitter. Criteria: ICSL Variant Classification Criteria 13 December 2019. Collection method: clinical testing. Allele origin: germline.

Illumina Laboratory Services, Illumina
Classification: Likely benign for Amyotrophic lateral sclerosis type 4. Last evaluated: 2018-01-13. Review status: criteria provided, single submitter. Criteria: ICSL Variant Classification Criteria 13 December 2019. Collection method: clinical testing. Allele origin: germline.
Comment: This variant was observed in the ICSL laboratory as part of a predisposition screen in an ostensibly healthy population. It had not been previously curated by ICSL or reported in the Human Gene Mutation Database (HGMD: prior to June 1st, 2018), and was therefore a candidate for classification through an automated scoring system. Utilizing variant allele frequency, disease prevalence and penetrance estimates, and inheritance mode, an automated score was calculated to assess if this variant is too frequent to cause the disease. Based on the score and internal cut-off values, a variant classified as likely benign is not then subjected to further curation. The score for this variant resulted in a classification of likely benign for this disease.

CeGaT Center for Human Genetics Tuebingen
Classification: Uncertain significance. Last evaluated: 2017-04-01. Review status: criteria provided, single submitter. Criteria: CeGaT Center For Human Genetics Tuebingen Variant Classification Criteria Version 2. Collection method: clinical testing. Allele origin: germline. Affected: yes. Observed: 1 variant allele.

Neuberg Centre For Genomic Medicine, NCGM
Classification: Uncertain significance for Spinocerebellar ataxia, autosomal recessive, with axonal neuropathy 2. Review status: criteria provided, single submitter. Criteria: ACMG Guidelines, 2015. Collection method: clinical testing. Allele origin: germline. Inheritance: Autosomal recessive inheritance. Affected: yes.
Comment: The observed missense c.7814G>A(p.Arg2605Gln) variant in SETX gene has not been reported previously as a pathogenic variant nor as a benign variant, to our knowledge. This variant is present with an allele frequency of 0.02% in gnomAD Exomes database. This variant has been submitted to the ClinVar database as Likely Benign/ Uncertain Significance (multiple submissions). The amino acid change p.Arg2605Gln in SETX is predicted as conserved by GERP++ and PhyloP across 100 vertebrates. The amino acid Arg at position 2605 is changed to a Gln changing protein sequence and it might alter its composition and physico-chemical properties. For these reasons, this variant has been classified as Variant of Uncertain Significance (VUS).

Clinical Genetics DNA and cytogenetics Diagnostics Lab, Erasmus MC, Erasmus Medical Center
Classification: Likely benign. Review status: no assertion criteria provided. Collection method: clinical testing. Allele origin: germline. Affected: yes. Study: VKGL Data-share Consensus. Not counted in ClinVar's aggregate classification.

Genome Diagnostics Laboratory, Amsterdam University Medical Center
Classification: Likely benign. Review status: no assertion criteria provided. Collection method: clinical testing. Allele origin: germline. Affected: yes. Study: VKGL Data-share Consensus. Not counted in ClinVar's aggregate classification.